The following is an entry in ClinVar:

ClinVar aggregate classification (germline): Conflicting classifications of pathogenicity. Review status: criteria provided, conflicting classifications (1 of 4 stars). 2 submissions from 2 submitters: Uncertain significance (1); Likely benign (1). Last evaluated 2025-02-05.

Conditions:
Hereditary cancer-predisposing syndrome. Also called: Tumor predisposition; Hereditary neoplastic syndrome; Neoplastic Syndromes, Hereditary; Hereditary Cancer Syndrome. Identifiers: Orphanet 140162, MedGen C0027672, MeSH D009386, MONDO:0015356.
Hereditary nonpolyposis colorectal neoplasms. Identifiers: MedGen C0009405, MeSH D003123.

Allele frequency attached by ClinVar (database versions not stated): TOPMed below 0.00001.

Submissions (2):

Labcorp Genetics (formerly Invitae), Labcorp
Classification: Uncertain significance for Hereditary nonpolyposis colorectal neoplasms. Last evaluated: 2025-02-05. Review status: criteria provided, single submitter. Criteria: Invitae Variant Classification Sherloc (09022015). Collection method: clinical testing. Allele origin: germline.
Comment: This sequence change replaces glycine, which is neutral and non-polar, with aspartic acid, which is acidic and polar, at codon 881 of the MSH6 protein (p.Gly881Asp). This variant is not present in population databases (gnomAD no frequency). This variant has not been reported in the literature in individuals affected with MSH6-related conditions. ClinVar contains an entry for this variant (Variation ID: 1944383). Invitae Evidence Modeling of protein sequence and biophysical properties (such as structural, functional, and spatial information, amino acid conservation, physicochemical variation, residue mobility, and thermodynamic stability) indicates that this missense variant is not expected to disrupt MSH6 protein function with a negative predictive value of 95%. In summary, the available evidence is currently insufficient to determine the role of this variant in disease. Therefore, it has been classified as a Variant of Uncertain Significance.

Ambry Genetics
Classification: Likely benign for Hereditary cancer-predisposing syndrome. Last evaluated: 2024-12-18. Review status: criteria provided, single submitter. Criteria: Ambry Variant Classification Scheme 2023. Collection method: clinical testing. Allele origin: germline.

NM_000179.3(MSH6):c.2642G>A (p.Gly881Asp)

Gene: MSH6 (mutS homolog 6; plus strand). Cytogenetic location: 2p16.3.
Variant type: single nucleotide variant.
Coding change: c.2642G>A on transcript NM_000179.3 (MANE Select); coding-DNA position 2642, G replaced by A.
Protein change: p.Gly881Asp; replaces glycine 881 with aspartic acid.
Molecular consequence: missense variant.
Genome position (GRCh38, 1-based): chr2:47,800,625, G>A. VCF-style: chr2-47800625-G-A. GRCh37 (hg19) VCF-style: chr2-48027764-G-A.
Other names: c.2345G>A, p.Gly782Asp (NM_001406797.1, NM_001406801.1, NM_001406805.1 and 10 more transcripts); c.2642G>A, p.Gly881Asp (NM_001406798.1, NM_001406800.1, NM_001406808.1 and 2 more transcripts); c.2117G>A, p.Gly706Asp (NM_001406799.1, NM_001406806.1, NM_001406807.1); c.2738G>A, p.Gly913Asp (NM_001406802.1, NM_001406795.1); c.2564G>A, p.Gly855Asp (NM_001406804.1); c.1736G>A, p.Gly579Asp (NM_001406811.1, NM_001406812.1, NM_001281493.2 and 6 more transcripts); c.2252G>A, p.Gly751Asp (NM_001281492.2); c.2648G>A, p.Gly883Asp (NM_001406813.1); and 1 more; short protein forms G706D, G855D, G883D, G913D, G579D, G751D, G782D, G825D.
Identifiers: ClinVar variation 1944383 (VCV001944383.6), dbSNP rs1669491241, ClinGen allele CA346755120.